The following is an entry in ClinVar:

NM_000722.4(CACNA2D1):c.525C>A (p.Gly175=)

Gene: CACNA2D1 (calcium voltage-gated channel auxiliary subunit alpha2delta 1; minus strand). Cytogenetic location: 7q21.11.
Variant type: single nucleotide variant.
Coding change: c.525C>A on transcript NM_000722.4 (MANE Select); coding-DNA position 525, C replaced by A.
Protein change: p.Gly175=; no amino-acid change (glycine 175 retained).
Molecular consequence: synonymous variant.
Genome position (GRCh38, 1-based): chr7:82,117,045, G>T on the plus strand (C>A on the coding strand, the complement: CACNA2D1 is on the minus strand). VCF-style: chr7-82117045-G-T. GRCh37 (hg19) VCF-style: chr7-81746361-G-T.
Other names: c.525C>A, p.Gly175= (NM_001302890.2, NM_001366867.1).
Identifiers: ClinVar variation 1489550 (VCV001489550.8), dbSNP rs766849009, ClinGen allele CA4318349.

ClinVar aggregate classification (germline): Conflicting classifications of pathogenicity. Review status: criteria provided, conflicting classifications (1 of 4 stars). 2 submissions from 2 submitters: Uncertain significance (1); Likely benign (1). Last evaluated 2025-07-02.

Conditions:
Cardiovascular phenotype. Identifiers: MedGen CN230736.
Brugada syndrome. Also called: Sudden unexpected nocturnal death syndrome; Sudden Unexplained Death Syndrome; Sudden Unexplained Nocturnal Death Syndrome (SUNDS); Sudden unexplained nocturnal death syndrome. Identifiers: Orphanet 130, MedGen C1142166, MONDO:0015263.

Allele frequency attached by ClinVar (database versions not stated): gnomAD exomes below 0.00001 and 0.00003; ExAC 0.00001; gnomAD 0.00001; TOPMed 0.00001.
gnomAD v4.1: 51 of 1,613,428 alleles (0.0032%); highest among the groups gnomAD compares: Non-Finnish European, 0.0042%; no homozygotes.

Submissions (2):

Labcorp Genetics (formerly Invitae), Labcorp
Classification: Uncertain significance for Brugada syndrome. Last evaluated: 2025-07-02. Review status: criteria provided, single submitter. Criteria: Invitae Variant Classification Sherloc (09022015). Collection method: clinical testing. Allele origin: germline.
Comment: This sequence change affects codon 175 of the CACNA2D1 mRNA. It is a 'silent' change, meaning that it does not change the encoded amino acid sequence of the CACNA2D1 protein. It affects a nucleotide within the consensus splice site. This variant is present in population databases (rs766849009, gnomAD 0.0009%). This variant has not been reported in the literature in individuals affected with CACNA2D1-related conditions. ClinVar contains an entry for this variant (Variation ID: 1489550). Algorithms developed to predict the effect of sequence changes on RNA splicing suggest that this variant is not likely to affect RNA splicing. In summary, the available evidence is currently insufficient to determine the role of this variant in disease. Therefore, it has been classified as a Variant of Uncertain Significance.

Ambry Genetics
Classification: Likely benign for Cardiovascular phenotype. Last evaluated: 2022-02-08. Review status: criteria provided, single submitter. Criteria: Ambry Variant Classification Scheme 2023. Collection method: clinical testing. Allele origin: germline.